The following is an entry in ClinVar:

ClinVar aggregate classification (germline): Uncertain significance. Review status: criteria provided, multiple submitters, no conflicts (2 of 4 stars). 2 submissions from 2 submitters: Uncertain significance (2). Last evaluated 2024-09-24.

Conditions:
Hereditary cancer-predisposing syndrome. Also called: Neoplastic Syndromes, Hereditary; Hereditary neoplastic syndrome; Tumor predisposition; Hereditary Cancer Syndrome. Identifiers: Orphanet 140162, MedGen C0027672, MeSH D009386, MONDO:0015356.
Bloom syndrome (BLM). Also called: Bloom-Torre-Machacek syndrome. Identifiers: Orphanet 125, MedGen C0005859, MONDO:0008876, OMIM 210900.

Submissions (2):

Ambry Genetics
Classification: Uncertain significance for Hereditary cancer-predisposing syndrome. Last evaluated: 2024-09-24. Review status: criteria provided, single submitter. Criteria: Ambry Variant Classification Scheme 2023. Collection method: clinical testing. Allele origin: germline.
Comment: The p.E229Q variant (also known as c.685G>C), located in coding exon 2 of the BLM gene, results from a G to C substitution at nucleotide position 685. The glutamic acid at codon 229 is replaced by glutamine, an amino acid with highly similar properties. This amino acid position is conserved. In addition, this alteration is predicted to be tolerated by in silico analysis. Based on the available evidence, the clinical significance of this variant remains unclear.

Labcorp Genetics (formerly Invitae), Labcorp
Classification: Uncertain significance for Bloom syndrome. Last evaluated: 2021-08-26. Review status: criteria provided, single submitter. Criteria: Invitae Variant Classification Sherloc (09022015). Collection method: clinical testing. Allele origin: germline.
Comment: This sequence change replaces glutamic acid with glutamine at codon 229 of the BLM protein (p.Glu229Gln). The glutamic acid residue is weakly conserved and there is a small physicochemical difference between glutamic acid and glutamine. This variant is not present in population databases (ExAC no frequency). This variant has not been reported in the literature in individuals affected with BLM-related conditions. Algorithms developed to predict the effect of missense changes on protein structure and function (SIFT, PolyPhen-2, Align-GVGD) all suggest that this variant is likely to be tolerated. In summary, the available evidence is currently insufficient to determine the role of this variant in disease. Therefore, it has been classified as a Variant of Uncertain Significance.

NM_000057.4(BLM):c.685G>C (p.Glu229Gln)

Gene: BLM (BLM RecQ like helicase; plus strand). Cytogenetic location: 15q26.1.
Variant type: single nucleotide variant.
Coding change: c.685G>C on transcript NM_000057.4 (MANE Select); coding-DNA position 685, G replaced by C.
Protein change: p.Glu229Gln; replaces glutamic acid 229 with glutamine.
Molecular consequence: missense variant. On other transcripts: 5 prime UTR variant (1).
Genome position (GRCh38, 1-based): chr15:90,749,953, G>C. VCF-style: chr15-90749953-G-C. GRCh37 (hg19) VCF-style: chr15-91293183-G-C.
Other names: c.685G>C, p.Glu229Gln (NM_001287246.2, NM_001287247.2); c.-607G>C (NM_001287248.2); c.685G>C (NM_000057.2); short protein forms E229Q.
Identifiers: ClinVar variation 524809 (VCV000524809.9), dbSNP rs1555418428, ClinGen allele CA393841334.